The following is an entry in ClinVar:

ClinVar aggregate classification (germline): Uncertain significance. Review status: criteria provided, multiple submitters, no conflicts (2 of 4 stars). 3 submissions from 3 submitters: Uncertain significance (3). Last evaluated 2024-09-19.

Conditions:
Colorectal cancer. Also called: Colorectal cancer, somatic; Malignant Colorectal Neoplasm. Identifiers: MedGen C0346629, MONDO:0005575, OMIM 114500.
Nonpapillary renal cell carcinoma. Identifiers: Orphanet 422526, MedGen CN074294, MONDO:0007763, OMIM 144700.
Familial spontaneous pneumothorax (PSP). Identifiers: Orphanet 2903, MedGen C1868193, MONDO:0008259, OMIM 173600.
Birt-Hogg-Dube syndrome 1 (BHD1). Also called: FIBROFOLLICULOMAS WITH TRICHODISCOMAS AND ACROCHORDONS. Identifiers: Orphanet 122, MedGen CN375946, MONDO:0800445, OMIM 135150.
Hereditary cancer-predisposing syndrome. Also called: Hereditary neoplastic syndrome; Neoplastic Syndromes, Hereditary; Tumor predisposition; Hereditary Cancer Syndrome. Identifiers: Orphanet 140162, MedGen C0027672, MeSH D009386, MONDO:0015356.
Birt-Hogg-Dube syndrome. Also called: Birt Hogg Dubé syndrome. Identifiers: Orphanet 122, MedGen C0346010, MONDO:0800444.

Allele frequency attached by ClinVar (database versions not stated): TOPMed below 0.00001.

Submissions (3):

Labcorp Genetics (formerly Invitae), Labcorp
Classification: Uncertain significance for Birt-Hogg-Dube syndrome. Last evaluated: 2024-09-19. Review status: criteria provided, single submitter. Criteria: Invitae Variant Classification Sherloc (09022015). Collection method: clinical testing. Allele origin: germline.
Comment: This sequence change replaces arginine, which is basic and polar, with cysteine, which is neutral and slightly polar, at codon 218 of the FLCN protein (p.Arg218Cys). This variant is not present in population databases (gnomAD no frequency). This variant has not been reported in the literature in individuals affected with FLCN-related conditions. ClinVar contains an entry for this variant (Variation ID: 460626). Invitae Evidence Modeling of protein sequence and biophysical properties (such as structural, functional, and spatial information, amino acid conservation, physicochemical variation, residue mobility, and thermodynamic stability) indicates that this missense variant is not expected to disrupt FLCN protein function with a negative predictive value of 80%. In summary, the available evidence is currently insufficient to determine the role of this variant in disease. Therefore, it has been classified as a Variant of Uncertain Significance.

Ambry Genetics
Classification: Uncertain significance for Hereditary cancer-predisposing syndrome. Last evaluated: 2024-05-01. Review status: criteria provided, single submitter. Criteria: Ambry Variant Classification Scheme 2023. Collection method: clinical testing. Allele origin: germline.
Comment: The p.R218C variant (also known as c.652C>T), located in coding exon 4 of the FLCN gene, results from a C to T substitution at nucleotide position 652. The arginine at codon 218 is replaced by cysteine, an amino acid with highly dissimilar properties. This amino acid position is highly conserved in available vertebrate species. In addition, this alteration is predicted to be deleterious by in silico analysis. Since supporting evidence is limited at this time, the clinical significance of this alteration remains unclear.

Fulgent Genetics
Classification: Uncertain significance for Colorectal cancer; Birt-Hogg-Dube syndrome 1; Nonpapillary renal cell carcinoma; Familial spontaneous pneumothorax. Last evaluated: 2024-01-02. Review status: criteria provided, single submitter. Criteria: ACMG Guidelines, 2015. Collection method: clinical testing. Allele origin: germline.

NM_144997.7(FLCN):c.652C>T (p.Arg218Cys)

Gene: FLCN (folliculin; minus strand). Cytogenetic location: 17p11.2.
Variant type: single nucleotide variant.
Coding change: c.652C>T on transcript NM_144997.7 (MANE Select); coding-DNA position 652, C replaced by T.
Protein change: p.Arg218Cys; replaces arginine 218 with cysteine.
Molecular consequence: missense variant.
Genome position (GRCh38, 1-based): chr17:17,222,628, G>A on the plus strand (C>T on the coding strand, the complement: FLCN is on the minus strand). VCF-style: chr17-17222628-G-A. GRCh37 (hg19) VCF-style: chr17-17125942-G-A.
Other names: c.652C>T (LRG_325t1); c.706C>T, p.Arg236Cys (NM_001353229.2); c.652C>T, p.Arg218Cys (NM_001353230.2, NM_001353231.2, NM_144606.7); short protein forms R218C, R236C.
Identifiers: ClinVar variation 460626 (VCV000460626.9), dbSNP rs1555609896, ClinGen allele CA398534080.